The following is an entry in ClinVar:

NM_017999.5(RNF31):c.1541A>G (p.Tyr514Cys)

Gene: RNF31 (ring finger protein 31; plus strand). Cytogenetic location: 14q12.
Variant type: single nucleotide variant.
Coding change: c.1541A>G on transcript NM_017999.5 (MANE Select); coding-DNA position 1541, A replaced by G.
Protein change: p.Tyr514Cys; replaces tyrosine 514 with cysteine.
Molecular consequence: missense variant.
Genome position (GRCh38, 1-based): chr14:24,151,183, A>G. VCF-style: chr14-24151183-A-G. GRCh37 (hg19) VCF-style: chr14-24620392-A-G.
Other names: c.1088A>G, p.Tyr363Cys (NM_001310332.2); short protein forms Y514C, Y363C.
Identifiers: ClinVar variation 1513602 (VCV001513602.8), dbSNP rs2139080705, ClinGen allele CA389296758.

ClinVar aggregate classification (germline): Uncertain significance (1 of 4 stars; one submission).

Submission:

Labcorp Genetics (formerly Invitae), Labcorp
Classification: Uncertain significance. Last evaluated: 2021-02-26. Review status: criteria provided, single submitter. Criteria: Invitae Variant Classification Sherloc (09022015). Collection method: clinical testing. Allele origin: germline.
Comment: In summary, the available evidence is currently insufficient to determine the role of this variant in disease. Therefore, it has been classified as a Variant of Uncertain Significance. Algorithms developed to predict the effect of missense changes on protein structure and function are either unavailable or do not agree on the potential impact of this missense change (SIFT: "Deleterious"; PolyPhen-2: "Probably Damaging"; Align-GVGD: "Class C0"). This variant has not been reported in the literature in individuals with RNF31-related conditions. This variant is not present in population databases (ExAC no frequency). This sequence change replaces tyrosine with cysteine at codon 514 of the RNF31 protein (p.Tyr514Cys). The tyrosine residue is moderately conserved and there is a large physicochemical difference between tyrosine and cysteine.